The following is an entry in ClinVar:

ClinVar aggregate classification (germline): Pathogenic. Review status: reviewed by expert panel (3 of 4 stars). 2 submissions from 2 submitters: Pathogenic (1). 1 of the submissions does not count toward it. Last evaluated 2017-12-15.

Conditions:
Breast-ovarian cancer, familial, susceptibility to, 2 (BROVCA2). Also called: BRCA2 Hereditary Breast and Ovarian Cancer. Identifiers: Orphanet 145, MedGen C2675520, MONDO:0012933, OMIM 612555. Disease mechanism: loss of function.
Familial cancer of breast. Also called: BREAST CANCER, FAMILIAL; Hereditary breast cancer; hereditary breast carcinoma. Identifiers: Orphanet 227535, MedGen C0346153, MONDO:0016419, OMIM 114480. Disease mechanism: loss of function.

Submissions (2):

Evidence-based Network for the Interpretation of Germline Mutant Alleles (ENIGMA)
Classification: Pathogenic for Breast-ovarian cancer, familial, susceptibility to, 2. Last evaluated: 2017-12-15. Review status: reviewed by expert panel. Criteria: ENIGMA BRCA1/2 Classification Criteria (2017-06-29). Collection method: curation. Allele origin: germline. Study: ENIGMA.
Comment: Variant allele predicted to encode a truncated non-functional protein.

ClinVar Staff, National Center for Biotechnology Information (NCBI)
No classification provided. Condition: Familial cancer of breast. Review status: no classification provided. Collection method: literature only. Allele origin: germline. Affected: yes. Not counted in ClinVar's aggregate classification.

Literature cited by the submitters: PubMed 19329713 (cited by ClinVar Staff, National Center for Biotechnology Information (NCBI)).

NM_000059.4(BRCA2):c.8912dup (p.Leu2972fs)

Gene: BRCA2 (BRCA2 DNA repair associated; plus strand). Cytogenetic location: 13q13.1.
Variant type: Duplication.
Coding change: c.8912dup on transcript NM_000059.4 (MANE Select); coding-DNA position 8912, one base duplicated (A; older notation c.8912dupA).
Protein change: p.Leu2972fs; shifts the reading frame from leucine 2972.
Molecular consequence: frameshift variant.
Genome position (GRCh38, 1-based): chr13:32,379,474, A duplicated; the last of 2 consecutive A bases (chr13:32,379,473-32,379,474); duplicating either gives the same sequence. VCF-style (leftmost placement, unchanged base first): chr13-32379472-G-GA. GRCh37 (hg19) VCF-style: chr13-32953609-G-GA.
Other names: c.8912dupA (NM_000059.3); short protein forms L2972fs.
Identifiers: ClinVar variation 52699 (VCV000052699.3), dbSNP rs80359731, ClinGen allele CA025867.